The following is an entry in ClinVar:

ClinVar aggregate classification (germline): Likely pathogenic (1 of 4 stars; one submission).

Conditions:
Beta-D-mannosidosis (MANSB). Also called: MANNOSIDOSIS, BETA A, LYSOSOMAL; BETA-MANNOSIDASE DEFICIENCY; LYSOSOMAL BETA-MANNOSIDASE DEFICIENCY; Beta-Mannosidosis. Identifiers: Orphanet 118, MedGen C4048196, MONDO:0009562, OMIM 248510.

Allele frequency attached by ClinVar (database versions not stated): gnomAD exomes 0.00001; TOPMed below 0.00001; gnomAD 0.00001.
gnomAD v4.1: 13 of 1,592,238 alleles (0.00082%); highest among the groups gnomAD compares: Non-Finnish European, 0.0011%; no homozygotes.

Submission:

Labcorp Genetics (formerly Invitae), Labcorp
Classification: Likely pathogenic for Beta-D-mannosidosis. Last evaluated: 2023-06-03. Review status: criteria provided, single submitter. Criteria: Invitae Variant Classification Sherloc (09022015). Collection method: clinical testing. Allele origin: germline.
Comment: In summary, the currently available evidence indicates that the variant is pathogenic, but additional data are needed to prove that conclusively. Therefore, this variant has been classified as Likely Pathogenic. Algorithms developed to predict the effect of sequence changes on RNA splicing suggest that this variant may disrupt the consensus splice site. This variant has not been reported in the literature in individuals affected with MANBA-related conditions. This variant is not present in population databases (gnomAD no frequency). This sequence change affects an acceptor splice site in intron 7 of the MANBA gene. It is expected to disrupt RNA splicing. Variants that disrupt the donor or acceptor splice site typically lead to a loss of protein function (PMID: 16199547), and loss-of-function variants in MANBA are known to be pathogenic (PMID: 9384606, 12468273).

Literature cited by the submitters: PubMed 16199547; PubMed 9384606; PubMed 12468273.

NM_005908.4(MANBA):c.961-2A>C

Gene: MANBA (mannosidase beta; minus strand). Cytogenetic location: 4q24.
Variant type: single nucleotide variant.
Coding change: c.961-2A>C on transcript NM_005908.4 (MANE Select); the canonical splice acceptor site of the intron before coding-DNA position 961, A replaced by C.
Molecular consequence: splice acceptor variant.
Genome position (GRCh38, 1-based): chr4:102,674,072, T>G on the plus strand (A>C on the coding strand, the complement: MANBA is on the minus strand). VCF-style: chr4-102674072-T-G. GRCh37 (hg19) VCF-style: chr4-103595229-T-G.
Identifiers: ClinVar variation 3007720 (VCV003007720.3), dbSNP rs1411236177, ClinGen allele CA357765081.